The following is an entry in ClinVar:

NM_001330574.2(ZNF711):c.2366G>A (p.Arg789Gln)

Gene: ZNF711 (zinc finger protein 711; plus strand). Cytogenetic location: Xq21.1.
Variant type: single nucleotide variant.
Coding change: c.2366G>A on transcript NM_001330574.2 (MANE Select); coding-DNA position 2366, G replaced by A.
Protein change: p.Arg789Gln; replaces arginine 789 with glutamine.
Molecular consequence: missense variant.
Genome position (GRCh38, 1-based): chrX:85,271,770, G>A. VCF-style: chrX-85271770-G-A. GRCh37 (hg19) VCF-style: chrX-84526776-G-A.
Other names: c.2366G>A, p.Arg789Gln (NM_001375431.1, NM_001375432.1, NM_001375433.1); c.2228G>A, p.Arg743Gln (NM_001375434.1, NM_001375435.1, NM_001375436.1 and 2 more transcripts); short protein forms R743Q, R789Q.
Identifiers: ClinVar variation 1309515 (VCV001309515.4), dbSNP rs2147877748, ClinGen allele CA413778364.

ClinVar aggregate classification (germline): Uncertain significance. Review status: criteria provided, multiple submitters, no conflicts (2 of 4 stars). 2 submissions from 2 submitters: Uncertain significance (2). Last evaluated 2024-12-03.

Conditions:
Inborn genetic diseases. Identifiers: MedGen C0950123, MeSH D030342.

Submissions (2):

Ambry Genetics
Classification: Uncertain significance for Inborn genetic diseases. Last evaluated: 2024-12-03. Review status: criteria provided, single submitter. Criteria: Ambry Variant Classification Scheme 2023. Collection method: clinical testing. Allele origin: germline.

GeneDx
Classification: Uncertain significance. Last evaluated: 2023-05-03. Review status: criteria provided, single submitter. Criteria: GeneDx Variant Classification Process June 2021. Collection method: clinical testing. Allele origin: germline. Affected: yes.
Comment: Not observed in large population cohorts (gnomAD); In silico analysis, which includes protein predictors and evolutionary conservation, supports that this variant does not alter protein structure/function; Has not been previously published as pathogenic or benign to our knowledge